The following is an entry in ClinVar:

NM_005921.2(MAP3K1):c.1534C>T (p.Pro512Ser)

Gene: MAP3K1 (mitogen-activated protein kinase kinase kinase 1; plus strand). Cytogenetic location: 5q11.2.
Variant type: single nucleotide variant.
Coding change: c.1534C>T on transcript NM_005921.2 (MANE Select); coding-DNA position 1534, C replaced by T.
Protein change: p.Pro512Ser; replaces proline 512 with serine.
Molecular consequence: missense variant.
Genome position (GRCh38, 1-based): chr5:56,872,853, C>T. VCF-style: chr5-56872853-C-T. GRCh37 (hg19) VCF-style: chr5-56168680-C-T.
Other names: short protein forms P512S.
Identifiers: ClinVar variation 5023874 (VCV005023874.1).

ClinVar aggregate classification (germline): Uncertain significance (1 of 4 stars; one submission).

Conditions:
Inborn genetic diseases. Identifiers: MedGen C0950123, MeSH D030342.

Submission:

Ambry Genetics
Classification: Uncertain significance for Inborn genetic diseases. Last evaluated: 2026-07-19. Review status: criteria provided, single submitter. Criteria: Ambry Variant Classification Scheme 2023. Collection method: clinical testing. Allele origin: germline.
Comment: The c.1534C>T (p.P512S) alteration is located in exon 9 (coding exon 9) of the MAP3K1 gene. This alteration results from a C to T substitution at nucleotide position 1534, causing the proline (P) at amino acid position 512 to be replaced by a serine (S). Based on data from gnomAD, the T allele has an overall frequency of <0.001% (1/249146) total alleles studied. The highest observed frequency was 0.001% (1/112924) of European (non-Finnish) alleles. Based on insufficient or conflicting evidence, the clinical significance of this alteration remains unclear.